The following is an entry in ClinVar:

ClinVar aggregate classification (germline): Uncertain significance (1 of 4 stars; one submission).

Conditions:
Congenital myasthenic syndrome 8. Also called: MYASTHENIC SYNDROME, CONGENITAL, DUE TO AGRIN DEFICIENCY; Myasthenic syndrome, congenital, 8, with pre- and postsynaptic defects. Identifiers: Orphanet 590, MedGen C3808739, MONDO:0014052, OMIM 615120.

Allele frequency attached by ClinVar (database versions not stated): gnomAD 0.00001; TOPMed 0.00001; ExAC 0.00001; gnomAD exomes 0.00001.

Submission:

Labcorp Genetics (formerly Invitae), Labcorp
Classification: Uncertain significance for Congenital myasthenic syndrome 8. Last evaluated: 2022-08-09. Review status: criteria provided, single submitter. Criteria: Invitae Variant Classification Sherloc (09022015). Collection method: clinical testing. Allele origin: germline.
Comment: This sequence change replaces valine, which is neutral and non-polar, with methionine, which is neutral and non-polar, at codon 619 of the AGRN protein (p.Val619Met). This variant is present in population databases (rs761043604, gnomAD 0.02%). This variant has not been reported in the literature in individuals affected with AGRN-related conditions. ClinVar contains an entry for this variant (Variation ID: 843165). Algorithms developed to predict the effect of missense changes on protein structure and function output the following: SIFT: "Deleterious"; PolyPhen-2: "Possibly Damaging"; Align-GVGD: "Class C0". The methionine amino acid residue is found in multiple mammalian species, which suggests that this missense change does not adversely affect protein function. In summary, the available evidence is currently insufficient to determine the role of this variant in disease. Therefore, it has been classified as a Variant of Uncertain Significance.

NM_198576.4(AGRN):c.1855G>A (p.Val619Met)

Gene: AGRN (agrin; plus strand). Cytogenetic location: 1p36.33.
Variant type: single nucleotide variant.
Coding change: c.1855G>A on transcript NM_198576.4 (MANE Select); coding-DNA position 1855, G replaced by A.
Protein change: p.Val619Met; replaces valine 619 with methionine.
Molecular consequence: missense variant.
Genome position (GRCh38, 1-based): chr1:1,043,879, G>A. VCF-style: chr1-1043879-G-A. GRCh37 (hg19) VCF-style: chr1-979259-G-A.
Other names: c.1855G>A, p.Val619Met (NM_001305275.2); c.1540G>A, p.Val514Met (NM_001364727.2); short protein forms V619M, V514M.
Identifiers: ClinVar variation 843165 (VCV000843165.7), dbSNP rs761043604, ClinGen allele CA508359.
Genomic context (GRCh38, chr1:1,043,879, plus strand): 5'-GCAGAGACCTGTGGAGATGCCGTGTGTGCTTTTGGGGCTGTGTGCTCCGCAGGGCAGTGT[G>A]TGTGTCCCCGGTGTGAGCACCCCCCGCCCGGCCCCGTGTGTGGCAGCGACGGTGTCACCT-3'
Protein context (NP_940978.2, residues 609-629): FGAVCSAGQC[Val619Met]CPRCEHPPPG